The following is an entry in ClinVar:

NM_000784.4(CYP27A1):c.1309G>T (p.Ala437Ser)

Gene: CYP27A1 (cytochrome P450 family 27 subfamily A member 1; plus strand). Cytogenetic location: 2q35.
Variant type: single nucleotide variant.
Coding change: c.1309G>T on transcript NM_000784.4 (MANE Select); coding-DNA position 1309, G replaced by T.
Protein change: p.Ala437Ser; replaces alanine 437 with serine.
Molecular consequence: missense variant.
Genome position (GRCh38, 1-based): chr2:218,814,590, G>T. VCF-style: chr2-218814590-G-T. GRCh37 (hg19) VCF-style: chr2-219679313-G-T.
Other names: short protein forms A437S.
Identifiers: ClinVar variation 1039342 (VCV001039342.6), dbSNP rs1337764272, ClinGen allele CA350594049.
Genomic context (GRCh38, chr2:218,814,590, plus strand): 5'-AATCTTCCTTTATAGACCCAGTTTGTGTTCTGCCACTATGTGGTGTCCCGGGACCCCACT[G>T]CCTTCTCTGAGCCTGAAAGCTTCCAGCCCCACCGCTGGCTGAGAAACAGCCAGCCTGCTA-3'
Protein context (NP_000775.1, residues 427-447): CHYVVSRDPT[Ala437Ser]FSEPESFQPH

ClinVar aggregate classification (germline): Uncertain significance. Review status: criteria provided, single submitter (1 of 4 stars). 2 submissions from 2 submitters: Uncertain significance (1). 1 of the submissions does not count toward it. Last evaluated 2022-07-26.

Conditions:
Cholestanol storage disease (CTX). Also called: CEREBRAL CHOLESTERINOSIS; Cerebrotendinous Xanthomatosis; CTX: Cerebrotendinous xanthomatosis. Identifiers: Orphanet 909, MedGen C0238052, MONDO:0008948, OMIM 213700.

Allele frequency attached by ClinVar (database versions not stated): gnomAD exomes below 0.00001 and 0.00002; gnomAD 0.00001; TOPMed 0.00001.
gnomAD v4.1: 33 of 1,614,088 alleles (0.002%); highest among the groups gnomAD compares: Non-Finnish European, 0.0027%; no homozygotes.

Submissions (2):

Labcorp Genetics (formerly Invitae), Labcorp
Classification: Uncertain significance for Cholestanol storage disease. Last evaluated: 2022-07-26. Review status: criteria provided, single submitter. Criteria: Invitae Variant Classification Sherloc (09022015). Collection method: clinical testing. Allele origin: germline.
Comment: This sequence change replaces alanine, which is neutral and non-polar, with serine, which is neutral and polar, at codon 437 of the CYP27A1 protein (p.Ala437Ser). This variant is present in population databases (no rsID available, gnomAD 0.002%). This variant has not been reported in the literature in individuals affected with CYP27A1-related conditions. ClinVar contains an entry for this variant (Variation ID: 1039342). Advanced modeling of protein sequence and biophysical properties (such as structural, functional, and spatial information, amino acid conservation, physicochemical variation, residue mobility, and thermodynamic stability) performed at Invitae indicates that this missense variant is not expected to disrupt CYP27A1 protein function. In summary, the available evidence is currently insufficient to determine the role of this variant in disease. Therefore, it has been classified as a Variant of Uncertain Significance.

Natera, Inc.
Classification: Uncertain significance for Cerebrotendinous xanthomatosis. Last evaluated: 2021-08-13. Review status: no assertion criteria provided. Collection method: clinical testing. Allele origin: germline. Not counted in ClinVar's aggregate classification.